The following is an entry in ClinVar:

NM_016604.4(KDM3B):c.1681C>T (p.Leu561Phe)

Gene: KDM3B (lysine demethylase 3B; plus strand). Cytogenetic location: 5q31.2.
Variant type: single nucleotide variant.
Coding change: c.1681C>T on transcript NM_016604.4 (MANE Select); coding-DNA position 1681, C replaced by T.
Protein change: p.Leu561Phe; replaces leucine 561 with phenylalanine.
Molecular consequence: missense variant.
Genome position (GRCh38, 1-based): chr5:138,391,313, C>T. VCF-style: chr5-138391313-C-T. GRCh37 (hg19) VCF-style: chr5-137727002-C-T.
Other names: short protein forms L561F.
Identifiers: ClinVar variation 4730856 (VCV004730856.1).
Genomic context (GRCh38, chr5:138,391,313, plus strand): 5'-ACTACTGTTTCAGAGAGTTTGGCTGATGATTCTTCTAGTCGGGACTCATTCAAACAAAGC[C>T]TTGAGAGCCTGAGCTCAGGCCTGTGTAAAGGCAGATCCGTTCTTGGAACAGACACTAAGC-3'
Protein context (NP_057688.3, residues 551-571): SSSRDSFKQS[Leu561Phe]ESLSSGLCKG

ClinVar aggregate classification (germline): Uncertain significance (1 of 4 stars; one submission).

Submission:

Labcorp Genetics (formerly Invitae), Labcorp
Classification: Uncertain significance. Last evaluated: 2025-11-10. Review status: criteria provided, single submitter. Criteria: Invitae Variant Classification Sherloc (09022015). Collection method: clinical testing. Allele origin: germline.
Comment: This sequence change replaces leucine, which is neutral and non-polar, with phenylalanine, which is neutral and non-polar, at codon 561 of the KDM3B protein (p.Leu561Phe). This variant is not present in population databases (gnomAD no frequency). This variant has not been reported in the literature in individuals affected with KDM3B-related conditions. An algorithm developed to predict the effect of missense changes on protein structure and function (PolyPhen-2) suggests that this variant is likely to be tolerated. In summary, the available evidence is currently insufficient to determine the role of this variant in disease. Therefore, it has been classified as a Variant of Uncertain Significance.